The following is an entry in ClinVar:

NM_001254.4(CDC6):c.1193T>C (p.Ile398Thr)

Gene: CDC6 (cell division cycle 6; plus strand). Cytogenetic location: 17q21.2.
Variant type: single nucleotide variant.
Coding change: c.1193T>C on transcript NM_001254.4 (MANE Select); coding-DNA position 1193, T replaced by C.
Protein change: p.Ile398Thr; replaces isoleucine 398 with threonine.
Molecular consequence: missense variant.
Genome position (GRCh38, 1-based): chr17:40,296,711, T>C. VCF-style: chr17-40296711-T-C. GRCh37 (hg19) VCF-style: chr17-38452963-T-C.
Other names: short protein forms I398T.
Identifiers: ClinVar variation 4723975 (VCV004723975.1).

ClinVar aggregate classification (germline): Uncertain significance (1 of 4 stars; one submission).

Submission:

Labcorp Genetics (formerly Invitae), Labcorp
Classification: Uncertain significance. Last evaluated: 2025-07-24. Review status: criteria provided, single submitter. Criteria: Invitae Variant Classification Sherloc (09022015). Collection method: clinical testing. Allele origin: germline.
Comment: This sequence change replaces isoleucine, which is neutral and non-polar, with threonine, which is neutral and polar, at codon 398 of the CDC6 protein (p.Ile398Thr). This variant is not present in population databases (gnomAD no frequency). This variant has not been reported in the literature in individuals affected with CDC6-related conditions. An algorithm developed to predict the effect of missense changes on protein structure and function (PolyPhen-2) suggests that this variant is likely to be tolerated. In summary, the available evidence is currently insufficient to determine the role of this variant in disease. Therefore, it has been classified as a Variant of Uncertain Significance.